The following is an entry in ClinVar:

ClinVar aggregate classification (germline): Uncertain significance (1 of 4 stars; one submission).

Conditions:
Alpha thalassemia-X-linked intellectual disability syndrome (ATRX). Also called: ALPHA-THALASSEMIA/MENTAL RETARDATION SYNDROME, X-LINKED; ATR, NONDELETION TYPE; ATR-X syndrome; Alpha thalassemia mental retardation syndrome, nondeletion type, X-linked; XLMR hypotonic face syndrome; X-linked alpha-thalassemia-mental retardation syndrome. Identifiers: Orphanet 847, MedGen C1845055, MONDO:0010519, OMIM 301040.

Submission:

Labcorp Genetics (formerly Invitae), Labcorp
Classification: Uncertain significance for Alpha thalassemia-X-linked intellectual disability syndrome. Last evaluated: 2024-02-06. Review status: criteria provided, single submitter. Criteria: Invitae Variant Classification Sherloc (09022015). Collection method: clinical testing. Allele origin: germline.
Comment: This sequence change replaces leucine, which is neutral and non-polar, with isoleucine, which is neutral and non-polar, at codon 2086 of the ATRX protein (p.Leu2086Ile). This variant is not present in population databases (gnomAD no frequency). This variant has not been reported in the literature in individuals affected with ATRX-related conditions. Advanced modeling of protein sequence and biophysical properties (such as structural, functional, and spatial information, amino acid conservation, physicochemical variation, residue mobility, and thermodynamic stability) performed at Invitae indicates that this missense variant is not expected to disrupt ATRX protein function with a negative predictive value of 95%. In summary, the available evidence is currently insufficient to determine the role of this variant in disease. Therefore, it has been classified as a Variant of Uncertain Significance.

NM_000489.6(ATRX):c.6256T>A (p.Leu2086Ile)

Gene: ATRX (ATRX chromatin remodeler; minus strand). Cytogenetic location: Xq21.1.
Variant type: single nucleotide variant.
Coding change: c.6256T>A on transcript NM_000489.6 (MANE Select); coding-DNA position 6256, T replaced by A.
Protein change: p.Leu2086Ile; replaces leucine 2086 with isoleucine.
Molecular consequence: missense variant.
Genome position (GRCh38, 1-based): chrX:77,574,320, A>T on the plus strand (T>A on the coding strand, the complement: ATRX is on the minus strand). VCF-style: chrX-77574320-A-T. GRCh37 (hg19) VCF-style: chrX-76829785-A-T.
Other names: c.6142T>A, p.Leu2048Ile (NM_138270.5); short protein forms L2086I, L2048I.
Identifiers: ClinVar variation 3634980 (VCV003634980.2).